The following is an entry in ClinVar:

NM_000273.3(GPR143):c.263G>A (p.Arg88Gln)

Gene: GPR143 (G protein-coupled receptor 143; minus strand). Cytogenetic location: Xp22.2.
Variant type: single nucleotide variant.
Coding change: c.263G>A on transcript NM_000273.3 (MANE Select); coding-DNA position 263, G replaced by A.
Protein change: p.Arg88Gln; replaces arginine 88 with glutamine.
Molecular consequence: missense variant.
Genome position (GRCh38, 1-based): chrX:9,760,814, C>T on the plus strand (G>A on the coding strand, the complement: GPR143 is on the minus strand). VCF-style: chrX-9760814-C-T. GRCh37 (hg19) VCF-style: chrX-9728854-C-T.
Other names: short protein forms R88Q.
Identifiers: ClinVar variation 1927699 (VCV001927699.5), dbSNP rs2083495147, ClinGen allele CA411999300.
Genomic context (GRCh38, chrX:9,760,814, plus strand): 5'-GTGTGGTTCATATCCGAGACGCTGTCAACAAAATTTGGGAATCCTAACCACACGGTGGAC[C>T]GGATCACCATACCTAAGAGAGAATTGGATAATACTTTGTATCTGATCCTAATCAAATATA-3'
Protein context (NP_000264.2, residues 78-98): DLLGCLGMVI[Arg88Gln]STVWLGFPNF

ClinVar aggregate classification (germline): Uncertain significance (1 of 4 stars; one submission).

Allele frequency attached by ClinVar (database versions not stated): gnomAD exomes 0.00001; TOPMed 0.00002.

Submission:

Labcorp Genetics (formerly Invitae), Labcorp
Classification: Uncertain significance. Last evaluated: 2022-10-07. Review status: criteria provided, single submitter. Criteria: Invitae Variant Classification Sherloc (09022015). Collection method: clinical testing. Allele origin: germline.
Comment: In summary, the available evidence is currently insufficient to determine the role of this variant in disease. Therefore, it has been classified as a Variant of Uncertain Significance. Advanced modeling of protein sequence and biophysical properties (such as structural, functional, and spatial information, amino acid conservation, physicochemical variation, residue mobility, and thermodynamic stability) performed at Invitae indicates that this missense variant is expected to disrupt GPR143 protein function. This missense change has been observed in individual(s) with GPR143-related conditions (PMID: 33781268). This variant is not present in population databases (gnomAD no frequency). This sequence change replaces arginine, which is basic and polar, with glutamine, which is neutral and polar, at codon 88 of the GPR143 protein (p.Arg88Gln).

Literature cited by the submitters: PubMed 33781268.